The following is an entry in ClinVar:

ClinVar aggregate classification (germline): Uncertain significance (1 of 4 stars; one submission).

Submission:

GeneDx
Classification: Uncertain significance. Last evaluated: 2025-12-21. Review status: criteria provided, single submitter. Criteria: GeneDx Variant Classification Process June 2021. Collection method: clinical testing. Allele origin: germline.
Comment: Not observed at significant frequency in large population cohorts (gnomAD); In silico analysis supports that this missense variant has a deleterious effect on protein structure/function; Has not been previously published as pathogenic or benign to our knowledge

NM_001378969.1(KCND3):c.511C>T (p.Arg171Trp)

Gene: KCND3 (potassium voltage-gated channel subfamily D member 3; minus strand). Cytogenetic location: 1p13.2.
Variant type: single nucleotide variant.
Coding change: c.511C>T on transcript NM_001378969.1 (MANE Select); coding-DNA position 511, C replaced by T.
Protein change: p.Arg171Trp; replaces arginine 171 with tryptophan.
Molecular consequence: missense variant.
Genome position (GRCh38, 1-based): chr1:111,982,216, G>A on the plus strand (C>T on the coding strand, the complement: KCND3 is on the minus strand). VCF-style: chr1-111982216-G-A. GRCh37 (hg19) VCF-style: chr1-112524838-G-A.
Other names: c.511C>T, p.Arg171Trp (NM_001378970.1, NM_004980.5, NM_172198.3); short protein forms R171W.
Identifiers: ClinVar variation 4527707 (VCV004527707.2).